The following is an entry in ClinVar:

ClinVar aggregate classification (germline): Conflicting classifications of pathogenicity. Review status: criteria provided, conflicting classifications (1 of 4 stars). 2 submissions from 2 submitters: Uncertain significance (1); Likely benign (1). Last evaluated 2025-01-31.

Conditions:
Cardiovascular phenotype. Identifiers: MedGen CN230736.

Allele frequency attached by ClinVar (database versions not stated): gnomAD 0.00001; TOPMed 0.00001.
gnomAD v4.1: 6 of 1,550,100 alleles (0.00039%); highest among the groups gnomAD compares: Non-Finnish European, 0.00052%; no homozygotes.

Submissions (2):

Ambry Genetics
Classification: Likely benign for Cardiovascular phenotype. Last evaluated: 2025-01-31. Review status: criteria provided, single submitter. Criteria: Ambry Variant Classification Scheme 2023. Collection method: clinical testing. Allele origin: germline.

Labcorp Genetics (formerly Invitae), Labcorp
Classification: Uncertain significance. Last evaluated: 2023-11-07. Review status: criteria provided, single submitter. Criteria: Invitae Variant Classification Sherloc (09022015). Collection method: clinical testing. Allele origin: germline.
Comment: This sequence change affects codon 3594 of the ZNF469 mRNA. It is a 'silent' change, meaning that it does not change the encoded amino acid sequence of the ZNF469 protein. This variant is not present in population databases (gnomAD no frequency). This variant has not been reported in the literature in individuals affected with ZNF469-related conditions. Algorithms developed to predict the effect of sequence changes on RNA splicing suggest that this variant may create or strengthen a splice site. In summary, the available evidence is currently insufficient to determine the role of this variant in disease. Therefore, it has been classified as a Variant of Uncertain Significance.

NM_001367624.2(ZNF469):c.10866G>T (p.Gly3622=)

Gene: ZNF469 (zinc finger protein 469; plus strand). Cytogenetic location: 16q24.2.
Variant type: single nucleotide variant.
Coding change: c.10866G>T on transcript NM_001367624.2 (MANE Select); coding-DNA position 10866, G replaced by T.
Protein change: p.Gly3622=; no amino-acid change (glycine 3622 retained).
Molecular consequence: synonymous variant.
Genome position (GRCh38, 1-based): chr16:88,438,336, G>T. VCF-style: chr16-88438336-G-T. GRCh37 (hg19) VCF-style: chr16-88504744-G-T.
Other names: NM_001127464.1:c.10782G>T.
Identifiers: ClinVar variation 2869279 (VCV002869279.4), dbSNP rs1349083504, ClinGen allele CA497359293.